The following is an entry in ClinVar:

ClinVar aggregate classification (germline): Pathogenic/Likely pathogenic. Review status: criteria provided, multiple submitters, no conflicts (2 of 4 stars). 2 submissions from 2 submitters: Pathogenic (1); Likely pathogenic (1). Last evaluated 2025-10-24.

Conditions:
Autosomal recessive polycystic kidney disease (ARPKD). Also called: AR polycystic kidney disease. Identifiers: Orphanet 731, Orphanet 8378, MedGen C0085548, MeSH D017044, MONDO:0009889.

Submissions (2):

Labcorp Genetics (formerly Invitae), Labcorp
Classification: Pathogenic for Autosomal recessive polycystic kidney disease. Last evaluated: 2025-10-24. Review status: criteria provided, single submitter. Criteria: Invitae Variant Classification Sherloc (09022015). Collection method: clinical testing. Allele origin: germline.
Comment: This sequence change creates a premature translational stop signal (p.Glu2309*) in the PKHD1 gene. It is expected to result in an absent or disrupted protein product. Loss-of-function variants in PKHD1 are known to be pathogenic (PMID: 19940839). This variant is not present in population databases (gnomAD no frequency). This variant has not been reported in the literature in individuals affected with PKHD1-related conditions. Algorithms developed to predict the effect of sequence changes on RNA splicing suggest that this variant may disrupt the consensus splice site. For these reasons, this variant has been classified as Pathogenic.

Natera, Inc.
Classification: Likely pathogenic for Autosomal recessive polycystic kidney disease. Last evaluated: 2025-06-25. Review status: criteria provided, single submitter. Criteria: Natera Variant Classification Schema (03/2026). Collection method: clinical testing. Allele origin: germline.
Comment: The c.6925G>T variant in PKHD1 is a nonsense variant predicted to introduce a stop codon at amino acid 2309. This variant is expected to result in nonsense mediated decay, truncation, or a dysfunctional protein product. This variant is rare in the general population with a frequency below the threshold expected for the associated phenotype(s). Given the available evidence, this variant is classified as Likely Pathogenic.

Literature cited by the submitters: PubMed 19940839 (cited by Labcorp Genetics (formerly Invitae), Labcorp).

NM_138694.4(PKHD1):c.6925G>T (p.Glu2309Ter)

Gene: PKHD1 (PKHD1 ciliary IPT domain containing fibrocystin/polyductin; minus strand). Cytogenetic location: 6p12.2.
Variant type: single nucleotide variant.
Coding change: c.6925G>T on transcript NM_138694.4 (MANE Select); coding-DNA position 6925, G replaced by T.
Protein change: p.Glu2309Ter; replaces glutamic acid 2309 with a stop codon.
Molecular consequence: nonsense.
Genome position (GRCh38, 1-based): chr6:51,903,668, C>A on the plus strand (G>T on the coding strand, the complement: PKHD1 is on the minus strand). VCF-style: chr6-51903668-C-A. GRCh37 (hg19) VCF-style: chr6-51768466-C-A.
Other names: c.6925G>T, p.Glu2309Ter (NM_170724.3); c.6925G>T (NM_138694.3); short protein forms E2309*.
Identifiers: ClinVar variation 4726490 (VCV004726490.2).